The following is an entry in ClinVar:

NM_006073.4(TRDN):c.432C>G (p.His144Gln)

Gene: TRDN (triadin; minus strand). Cytogenetic location: 6q22.31.
Variant type: single nucleotide variant.
Coding change: c.432C>G on transcript NM_006073.4 (MANE Select); coding-DNA position 432, C replaced by G.
Protein change: p.His144Gln; replaces histidine 144 with glutamine.
Molecular consequence: missense variant.
Genome position (GRCh38, 1-based): chr6:123,530,558, G>C on the plus strand (C>G on the coding strand, the complement: TRDN is on the minus strand). VCF-style: chr6-123530558-G-C. GRCh37 (hg19) VCF-style: chr6-123851703-G-C.
Other names: c.432C>G, p.His144Gln (NM_001251987.2, NM_001256020.2, NM_001256021.2 and 2 more transcripts); short protein forms H144Q.
Identifiers: ClinVar variation 2183093 (VCV002183093.4), dbSNP rs1780197164, ClinGen allele CA365568513.
Genomic context (GRCh38, chr6:123,530,558, plus strand): 5'-ATGTTTACCTTTAGTTTGTATTTTCCTTTCAGGTTTCTCTTGTTTTTCAGTCTTATCTTT[G>C]TGTATTTCTAAGAAAAAATAGAATTTATAATTTTAAAACTCTGAAAATGTATAAAATTTA-3'
Protein context (NP_006064.2, residues 134-154): DEPPLRKKEI[His144Gln]KDKTEKQEKP

ClinVar aggregate classification (germline): Uncertain significance (1 of 4 stars; one submission).

Conditions:
Catecholaminergic polymorphic ventricular tachycardia 1. Also called: VENTRICULAR TACHYCARDIA, STRESS-INDUCED POLYMORPHIC 1; VENTRICULAR TACHYCARDIA, CATECHOLAMINERGIC POLYMORPHIC, 1, WITH OR WITHOUT ATRIAL DYSFUNCTION AND/OR DILATED CARDIOMYOPATHY; RYR2-Related Catecholaminergic Polymorphic Ventricular Tachycardia. Identifiers: Orphanet 3286, MedGen C1631597, MONDO:0011484, OMIM 604772.

Allele frequency attached by ClinVar (database versions not stated): gnomAD 0.00001.
gnomAD v4.1: 1 of 1,246,942 alleles (0.00008%); highest among the groups gnomAD compares: African/African-American, 0.0016%; no homozygotes.

Submission:

Labcorp Genetics (formerly Invitae), Labcorp
Classification: Uncertain significance for Catecholaminergic polymorphic ventricular tachycardia 1. Last evaluated: 2022-06-10. Review status: criteria provided, single submitter. Criteria: Invitae Variant Classification Sherloc (09022015). Collection method: clinical testing. Allele origin: germline.
Comment: This variant is not present in population databases (gnomAD no frequency). This sequence change replaces histidine, which is basic and polar, with glutamine, which is neutral and polar, at codon 144 of the TRDN protein (p.His144Gln). This variant has not been reported in the literature in individuals affected with TRDN-related conditions. In summary, the available evidence is currently insufficient to determine the role of this variant in disease. Therefore, it has been classified as a Variant of Uncertain Significance. Algorithms developed to predict the effect of missense changes on protein structure and function output the following: SIFT: "Tolerated"; PolyPhen-2: "Not Available"; Align-GVGD: "Class C0". The glutamine amino acid residue is found in multiple mammalian species, which suggests that this missense change does not adversely affect protein function.